The following is an entry in ClinVar:

ClinVar aggregate classification (germline): Likely benign (0 of 4 stars; one submission).

Conditions:
TRIO-related disorder. Also called: TRIO-related disorders; TRIO-related condition.

Allele frequency attached by ClinVar (database versions not stated): gnomAD 0.00001; gnomAD exomes 0.00001; ExAC 0.00008.
gnomAD v4.1: 9 of 897,880 alleles (0.001%); highest among the groups gnomAD compares: African/African-American, 0.0073%; no homozygotes.

Submission:

PreventionGenetics, part of Exact Sciences
Classification: Likely benign for TRIO-related condition. Last evaluated: 2022-08-12. Review status: no assertion criteria provided. Collection method: clinical testing. Allele origin: germline.
Comment: This variant is classified as likely benign based on ACMG/AMP sequence variant interpretation guidelines (Richards et al. 2015 PMID: 25741868, with internal and published modifications).

NM_007118.4(TRIO):c.6895A>G (p.Ser2299Gly)

Gene: TRIO (trio Rho guanine nucleotide exchange factor; plus strand). Cytogenetic location: 5p15.2.
Variant type: single nucleotide variant.
Coding change: c.6895A>G on transcript NM_007118.4 (MANE Select); coding-DNA position 6895, A replaced by G.
Protein change: p.Ser2299Gly; replaces serine 2299 with glycine.
Molecular consequence: missense variant. On other transcripts: non-coding transcript variant (1).
Genome position (GRCh38, 1-based): chr5:14,487,523, A>G. VCF-style: chr5-14487523-A-G. GRCh37 (hg19) VCF-style: chr5-14487632-A-G.
Other names: short protein forms S2299G.
Identifiers: ClinVar variation 3061620 (VCV003061620.2), dbSNP rs745851077, ClinGen allele CA3207291.
Genomic context (GRCh38, chr5:14,487,523, plus strand): 5'-GCCTTGACATCGCCAATCGAGTACCAGAGGAACCACAGCGGGGGCGGCGGCGGCGGCGGC[A>G]GCGGGGGCAGCGGCGGGGGTGGGGGCAGCGGCGGCGGCGGGGCCCCCAGTGGCGGCAGCG-3'
Protein context (NP_009049.2, residues 2289-2309): NHSGGGGGGG[Ser2299Gly]GGSGGGGGSG